The following is an entry in ClinVar:

NM_017752.3(TBC1D8B):c.131-7A>G

Gene: TBC1D8B (TBC1 domain family member 8B; plus strand). Cytogenetic location: Xq22.3.
Variant type: single nucleotide variant.
Coding change: c.131-7A>G on transcript NM_017752.3 (MANE Select); 7 bases into the intron before coding-DNA position 131, A replaced by G.
Molecular consequence: intron variant.
Genome position (GRCh38, 1-based): chrX:106,818,656, A>G. VCF-style: chrX-106818656-A-G. GRCh37 (hg19) VCF-style: chrX-106061886-A-G.
Other names: c.131-7A>G (NM_017752.2, NM_198881.2).
Identifiers: ClinVar variation 1269644 (VCV001269644.11), dbSNP rs12010840, ClinGen allele CA10482900.

ClinVar aggregate classification (germline): Benign. Review status: criteria provided, multiple submitters, no conflicts (2 of 4 stars). 3 submissions from 3 submitters: Benign (2). 1 of the submissions does not count toward it. Last evaluated 2026-02-01.

Conditions:
TBC1D8B-related disorder. Also called: TBC1D8B-related condition.

Allele frequency attached by ClinVar (database versions not stated): gnomAD exomes 0.00149 and 0.00438; ExAC 0.00541; gnomAD 0.01489 and 0.01588; 1000 Genomes Project 30x 0.01602; 1000 Genomes Project 0.01616; TOPMed 0.01736; ESP Exome Variant Server 0.01932.

Submissions (3):

Labcorp Genetics (formerly Invitae), Labcorp
Classification: Benign. Last evaluated: 2026-02-01. Review status: criteria provided, single submitter. Criteria: Invitae Variant Classification Sherloc (09022015). Collection method: clinical testing. Allele origin: germline.

GeneDx
Classification: Benign. Last evaluated: 2020-12-23. Review status: criteria provided, single submitter. Criteria: GeneDx Variant Classification Process June 2021. Collection method: clinical testing. Allele origin: germline. Affected: yes.

PreventionGenetics, part of Exact Sciences
Classification: Benign for TBC1D8B-related condition. Last evaluated: 2019-12-16. Review status: no assertion criteria provided. Collection method: clinical testing. Allele origin: germline. Not counted in ClinVar's aggregate classification.
Comment: This variant is classified as benign based on ACMG/AMP sequence variant interpretation guidelines (Richards et al. 2015 PMID: 25741868, with internal and published modifications).